The following is an entry in ClinVar:

ClinVar aggregate classification (germline): Uncertain significance (1 of 4 stars; one submission).

Submission:

Labcorp Genetics (formerly Invitae), Labcorp
Classification: Uncertain significance. Last evaluated: 2024-07-01. Review status: criteria provided, single submitter. Criteria: Invitae Variant Classification Sherloc (09022015). Collection method: clinical testing. Allele origin: germline.
Comment: This sequence change replaces glycine, which is neutral and non-polar, with serine, which is neutral and polar, at codon 29 of the TUBA8 protein (p.Gly29Ser). This variant is present in population databases (no rsID available, gnomAD 0.002%). This variant has not been reported in the literature in individuals affected with TUBA8-related conditions. Advanced modeling of protein sequence and biophysical properties (such as structural, functional, and spatial information, amino acid conservation, physicochemical variation, residue mobility, and thermodynamic stability) performed at Invitae indicates that this missense variant is not expected to disrupt TUBA8 protein function with a negative predictive value of 80%. In summary, the available evidence is currently insufficient to determine the role of this variant in disease. Therefore, it has been classified as a Variant of Uncertain Significance.

NM_018943.3(TUBA8):c.85G>A (p.Gly29Ser)

Gene: TUBA8 (tubulin alpha 8; plus strand). Cytogenetic location: 22q11.21.
Variant type: single nucleotide variant.
Coding change: c.85G>A on transcript NM_018943.3 (MANE Select); coding-DNA position 85, G replaced by A.
Protein change: p.Gly29Ser; replaces glycine 29 with serine.
Molecular consequence: missense variant. On other transcripts: 5 prime UTR variant (1).
Genome position (GRCh38, 1-based): chr22:18,121,560, G>A. VCF-style: chr22-18121560-G-A. GRCh37 (hg19) VCF-style: chr22-18604327-G-A.
Other names: c.-114G>A (NM_001193414.2); short protein forms G29S.
Identifiers: ClinVar variation 3682642 (VCV003682642.2).